The following is an entry in ClinVar:

ClinVar aggregate classification (germline): Uncertain significance (1 of 4 stars; one submission).

Allele frequency attached by ClinVar (database versions not stated): gnomAD 0.00001; gnomAD exomes 0.00001; TOPMed 0.00001.

Submission:

CeGaT Center for Human Genetics Tuebingen
Classification: Uncertain significance. Last evaluated: 2024-03-01. Review status: criteria provided, single submitter. Criteria: CeGaT Center For Human Genetics Tuebingen Variant Classification Criteria Version 2. Collection method: clinical testing. Allele origin: germline. Affected: yes. Observed: 1 variant allele.
Comment: PDXK: PM2, BP4

NM_003681.5(PDXK):c.827C>T (p.Ala276Val)

Gene: PDXK (pyridoxal kinase; plus strand). Cytogenetic location: 21q22.3.
Variant type: single nucleotide variant.
Coding change: c.827C>T on transcript NM_003681.5 (MANE Select); coding-DNA position 827, C replaced by T.
Protein change: p.Ala276Val; replaces alanine 276 with valine.
Molecular consequence: missense variant.
Genome position (GRCh38, 1-based): chr21:43,755,951, C>T. VCF-style: chr21-43755951-C-T. GRCh37 (hg19) VCF-style: chr21-45175832-C-T.
Other names: c.707C>T, p.Ala236Val (NM_001331030.2); short protein forms A236V, A276V.
Identifiers: ClinVar variation 3067349 (VCV003067349.21), dbSNP rs1184937966, ClinGen allele CA410406539.